The following is an entry in ClinVar:

NM_001365276.2(TNXB):c.1444A>T (p.Met482Leu)

Gene: TNXB (tenascin XB; minus strand). Cytogenetic location: 6p21.33.
Variant type: single nucleotide variant.
Coding change: c.1444A>T on transcript NM_001365276.2 (MANE Select); coding-DNA position 1444, A replaced by T.
Protein change: p.Met482Leu; replaces methionine 482 with leucine.
Molecular consequence: missense variant.
Genome position (GRCh38, 1-based): chr6:32,096,409, T>A on the plus strand (A>T on the coding strand, the complement: TNXB is on the minus strand). VCF-style: chr6-32096409-T-A. GRCh37 (hg19) VCF-style: chr6-32064186-T-A.
Other names: c.1444A>T, p.Met482Leu (NM_019105.8); short protein forms M482L.
Identifiers: ClinVar variation 1195557 (VCV001195557.6), dbSNP rs761528068, ClinGen allele CA136906084.

ClinVar aggregate classification (germline): Uncertain significance (1 of 4 stars; one submission).

Allele frequency attached by ClinVar (database versions not stated): TOPMed 0.00003; gnomAD 0.00005.
gnomAD v4.1: 25 of 1,558,942 alleles (0.0016%); highest among the groups gnomAD compares: African/African-American, 0.003%; no homozygotes.

Submission:

GeneDx
Classification: Uncertain significance. Last evaluated: 2024-04-17. Review status: criteria provided, single submitter. Criteria: GeneDx Variant Classification Process June 2021. Collection method: clinical testing. Allele origin: germline. Affected: yes.
Comment: Has not been previously published as pathogenic or benign to our knowledge; In silico analysis indicates that this missense variant does not alter protein structure/function